The following is an entry in ClinVar:

ClinVar aggregate classification (germline): Pathogenic. Review status: criteria provided, multiple submitters, no conflicts (2 of 4 stars). 4 submissions from 4 submitters: Pathogenic (4). Last evaluated 2025-01-08.

Conditions:
Hereditary cancer-predisposing syndrome. Also called: Hereditary neoplastic syndrome; Tumor predisposition; Neoplastic Syndromes, Hereditary; Hereditary Cancer Syndrome. Identifiers: Orphanet 140162, MedGen C0027672, MeSH D009386, MONDO:0015356.
Familial cancer of breast. Also called: Hereditary breast cancer; BREAST CANCER, FAMILIAL; hereditary breast carcinoma. Identifiers: Orphanet 227535, MedGen C0346153, MONDO:0016419, OMIM 114480. Disease mechanism: loss of function.

Submissions (4):

Myriad Genetics, Inc.
Classification: Pathogenic for Familial cancer of breast. Last evaluated: 2025-01-08. Review status: criteria provided, single submitter. Criteria: Myriad Autosomal Dominant, Autosomal Recessive and X-Linked Classification Criteria (2023). Collection method: clinical testing. Allele origin: unknown.
Comment: This variant is considered pathogenic. This variant creates a frameshift predicted to result in premature protein truncation.

Labcorp Genetics (formerly Invitae), Labcorp
Classification: Pathogenic for Familial cancer of breast. Last evaluated: 2024-11-05. Review status: criteria provided, single submitter. Criteria: Invitae Variant Classification Sherloc (09022015). Collection method: clinical testing. Allele origin: germline.
Comment: This sequence change creates a premature translational stop signal (p.Ser339Alafs*3) in the BARD1 gene. It is expected to result in an absent or disrupted protein product. Loss-of-function variants in BARD1 are known to be pathogenic (PMID: 20077502, 21344236). This variant is not present in population databases (gnomAD no frequency). This variant has not been reported in the literature in individuals affected with BARD1-related conditions. ClinVar contains an entry for this variant (Variation ID: 419156). For these reasons, this variant has been classified as Pathogenic.

Ambry Genetics
Classification: Pathogenic for Hereditary cancer-predisposing syndrome. Last evaluated: 2023-03-27. Review status: criteria provided, single submitter. Criteria: Ambry Variant Classification Scheme 2023. Collection method: clinical testing. Allele origin: germline.
Comment: The c.1014delC pathogenic mutation, located in coding exon 4 of the BARD1 gene, results from a deletion of one nucleotide at nucleotide position 1014, causing a translational frameshift with a predicted alternate stop codon (p.S339Afs*3). This alteration is expected to result in loss of function by premature protein truncation or nonsense-mediated mRNA decay. This variant is considered to be rare based on population cohorts in the Genome Aggregation Database (gnomAD). As such, this alteration is interpreted as a disease-causing mutation.

GeneDx
Classification: Pathogenic. Last evaluated: 2015-06-01. Review status: criteria provided, single submitter. Criteria: GeneDx Variant Classification (06012015). Collection method: clinical testing. Allele origin: germline. Affected: yes.
Comment: This deletion of one nucleotide in BARD1 is denoted c.1014delC at the cDNA level and p.Ser339AlafsX3 (S339AfsX3) at the protein level. The normal sequence, with the base that is deleted in braces, is GAAC[C]AGCA. The deletion causes a frameshift, which changes a Serine to an Alanine at codon 339, and creates a premature stop codon at position 3 of the new reading frame. Although this variant has not, to our knowledge, been reported in the literature, it is predicted to cause loss of normal protein function through either protein truncation or nonsense-mediated mRNA decay. we consider this variant to be pathogenic.

Literature cited by the submitters: PubMed 20077502 (cited by Labcorp Genetics (formerly Invitae), Labcorp); PubMed 21344236 (cited by Labcorp Genetics (formerly Invitae), Labcorp).

NM_000465.4(BARD1):c.1014del (p.Ser339fs)

Gene: BARD1 (BRCA1 associated RING domain 1; minus strand). Cytogenetic location: 2q35.
Variant type: Deletion.
Coding change: c.1014del on transcript NM_000465.4 (MANE Select); coding-DNA position 1014, one base deleted (C; older notation c.1014delC).
Protein change: p.Ser339fs; shifts the reading frame from serine 339.
Molecular consequence: frameshift variant. On other transcripts: non-coding transcript variant (2), intron variant (3).
Genome position (GRCh38, 1-based): chr2:214,780,860, G deleted on the plus strand (C on the coding strand, the reverse complement: BARD1 is on the minus strand); the first of 2 consecutive G bases (chr2:214,780,860-214,780,861); deleting either gives the same sequence. VCF-style (leftmost placement, unchanged base first): chr2-214780859-TG-T. GRCh37 (hg19) VCF-style: chr2-215645583-TG-T.
Other names: c.957del, p.Ser320fs (NM_001282543.2); c.159-28305del (NM_001282548.2); c.215+16201del (NM_001282545.2); c.364+11437del (NM_001282549.2); short protein forms S339fs, S320fs.
Identifiers: ClinVar variation 419156 (VCV000419156.13), dbSNP rs1064793682, ClinGen allele CA16617447.